The following is an entry in ClinVar:

ClinVar aggregate classification (germline): Benign. Review status: criteria provided, multiple submitters, no conflicts (2 of 4 stars). 2 submissions from 2 submitters: Benign (2). Last evaluated 2018-06-16.

Allele frequency attached by ClinVar (database versions not stated): gnomAD exomes 0.10073; gnomAD 0.10581 and 0.10944; TOPMed 0.11523; 1000 Genomes Project 0.15954; 1000 Genomes Project 30x 0.16115.
gnomAD v4.1: 82,943 of 806,814 alleles (10%); highest among the groups gnomAD compares: East Asian, 22%; 4,928 homozygotes.

Submissions (2):

GeneDx
Classification: Benign. Last evaluated: 2018-06-16. Review status: criteria provided, single submitter. Criteria: GeneDx Variant Classification (06012015). Collection method: clinical testing. Allele origin: germline. Affected: yes.
Comment: This variant is considered likely benign or benign based on one or more of the following criteria: it is a conservative change, it occurs at a poorly conserved position in the protein, it is predicted to be benign by multiple in silico algorithms, and/or has population frequency not consistent with disease.

Breakthrough Genomics
Classification: Benign. Review status: criteria provided, single submitter. Criteria: ACMG Guidelines, 2015. Collection method: not provided. Allele origin: germline. Inheritance: Autosomal dominant inheritance. Affected: yes.

NM_001098511.3(KIF2A):c.335-92A>G

Gene: KIF2A (kinesin family member 2A; plus strand). Cytogenetic location: 5q12.1.
Variant type: single nucleotide variant.
Coding change: c.335-92A>G on transcript NM_001098511.3 (MANE Select); 92 bases into the intron before coding-DNA position 335, A replaced by G.
Molecular consequence: intron variant.
Genome position (GRCh38, 1-based): chr5:62,352,496, A>G. VCF-style: chr5-62352496-A-G. GRCh37 (hg19) VCF-style: chr5-61648323-A-G.
Other names: c.254-92A>G (NM_001243952.2); c.335-92A>G (NM_004520.5, NM_001243953.2).
Identifiers: ClinVar variation 682857 (VCV000682857.2), dbSNP rs28720674, ClinGen allele CA15367420.